The following is an entry in ClinVar:

NM_000245.4(MET):c.2365-5T>C

Gene: MET (MET proto-oncogene, receptor tyrosine kinase; plus strand). Cytogenetic location: 7q31.2.
Variant type: single nucleotide variant.
Coding change: c.2365-5T>C on transcript NM_000245.4 (MANE Select); 5 bases into the intron before coding-DNA position 2365, T replaced by C.
Molecular consequence: intron variant.
Genome position (GRCh38, 1-based): chr7:116,763,045, T>C. VCF-style: chr7-116763045-T-C. GRCh37 (hg19) VCF-style: chr7-116403099-T-C.
Other names: c.2419-5T>C (NM_001127500.3); c.1075-5T>C (NM_001324402.2); c.2365-5T>C (NM_001324401.3).
Identifiers: ClinVar variation 2104270 (VCV002104270.5), dbSNP rs2485740142, ClinGen allele CA2580076232.

ClinVar aggregate classification (germline): Likely benign. Review status: criteria provided, multiple submitters, no conflicts (2 of 4 stars). 2 submissions from 2 submitters: Likely benign (2). Last evaluated 2025-06-05.

Conditions:
Papillary renal cell carcinoma type 1 (RCCP1). Also called: RENAL CELL CARCINOMA, PAPILLARY, 1, SOMATIC; Renal adenocarcinoma; Renal cell carcinoma 1; Renal cell carcinoma, somatic. Identifiers: Orphanet 47044, MedGen C1336839, OMIM 605074, HP:0011797.
Renal cell carcinoma. Identifiers: Orphanet 217071, MedGen C0007134, MeSH D002292, MONDO:0005086, HP:0005584.

Submissions (2):

Labcorp Genetics (formerly Invitae), Labcorp
Classification: Likely benign for Renal cell carcinoma. Last evaluated: 2025-06-05. Review status: criteria provided, single submitter. Criteria: Invitae Variant Classification Sherloc (09022015). Collection method: clinical testing. Allele origin: germline.

Myriad Genetics, Inc.
Classification: Likely benign for Papillary renal cell carcinoma type 1. Last evaluated: 2024-11-11. Review status: criteria provided, single submitter. Criteria: Myriad Autosomal Dominant, Autosomal Recessive and X-Linked Classification Criteria (2023). Collection method: clinical testing. Allele origin: unknown.
Comment: This variant is considered likely benign. This variant is intronic and is not expected to impact mRNA splicing.